The following is an entry in ClinVar:

NM_001204.7(BMPR2):c.-594A>G

Gene: BMPR2 (bone morphogenetic protein receptor type 2; plus strand). Cytogenetic location: 2q33.1.
Variant type: single nucleotide variant.
Coding change: c.-594A>G on transcript NM_001204.7 (MANE Select); 594 bases upstream of the start codon, A replaced by G.
Molecular consequence: 5 prime UTR variant.
Genome position (GRCh38, 1-based): chr2:202,376,881, A>G. VCF-style: chr2-202376881-A-G. GRCh37 (hg19) VCF-style: chr2-203241604-A-G.
Other names: c.-594A>G (LRG_712t1).
Identifiers: ClinVar variation 333630 (VCV000333630.6), dbSNP rs886055467, ClinGen allele CA10612053.

ClinVar aggregate classification (germline): Uncertain significance. Review status: criteria provided, multiple submitters, no conflicts (2 of 4 stars). 2 submissions from 2 submitters: Uncertain significance (2). Last evaluated 2022-04-13.

Conditions:
Pulmonary hypertension, primary, 1 (PPH1). Also called: Pulmonary hypertension, familial primary, 1, with or without HHT. Identifiers: Orphanet 422, MedGen C4552070, MONDO:0024533, OMIM 178600.
Primary pulmonary hypertension. Also called: Idiopathic pulmonary hypertension. Identifiers: MedGen C0152171.

Allele frequency attached by ClinVar (database versions not stated): gnomAD exomes 0.00001; TOPMed below 0.00001.

Submissions (2):

Labcorp Genetics (formerly Invitae), Labcorp
Classification: Uncertain significance for Primary pulmonary hypertension. Last evaluated: 2022-04-13. Review status: criteria provided, single submitter. Criteria: Invitae Variant Classification Sherloc (09022015). Collection method: clinical testing. Allele origin: germline.
Comment: This variant occurs in a non-coding region of the BMPR2 gene. It does not change the encoded amino acid sequence of the BMPR2 protein. This variant is not present in population databases (gnomAD no frequency). This variant has been observed in individual(s) with pulmonary arterial hypertension (PMID: 26699722). ClinVar contains an entry for this variant (Variation ID: 333630). In summary, the available evidence is currently insufficient to determine the role of this variant in disease. Therefore, it has been classified as a Variant of Uncertain Significance.

Illumina Laboratory Services, Illumina
Classification: Uncertain significance for Pulmonary hypertension, primary, 1. Last evaluated: 2018-01-13. Review status: criteria provided, single submitter. Criteria: ICSL Variant Classification Criteria 13 December 2019. Collection method: clinical testing. Allele origin: germline.

Literature cited by the submitters: PubMed 26699722 (cited by Labcorp Genetics (formerly Invitae), Labcorp).